The following is an entry in ClinVar:

NM_183050.4(BCKDHB):c.1037A>G (p.Gln346Arg)

Gene: BCKDHB (branched chain keto acid dehydrogenase E1 subunit beta; plus strand). Cytogenetic location: 6q14.1.
Variant type: single nucleotide variant.
Coding change: c.1037A>G on transcript NM_183050.4 (MANE Select); coding-DNA position 1037, A replaced by G.
Protein change: p.Gln346Arg; replaces glutamine 346 with arginine.
Molecular consequence: missense variant. On other transcripts: non-coding transcript variant (1).
Genome position (GRCh38, 1-based): chr6:80,273,220, A>G. VCF-style: chr6-80273220-A-G. GRCh37 (hg19) VCF-style: chr6-80982937-A-G.
Other names: c.1037A>G (NM_183050.3); c.1037A>G, p.Gln346Arg (NM_000056.5); c.827A>G, p.Gln276Arg (NM_001318975.1); short protein forms Q346R, Q276R.
Identifiers: ClinVar variation 1487625 (VCV001487625.10), dbSNP rs2127965290, ClinGen allele CA365009409.

ClinVar aggregate classification (germline): Pathogenic/Likely pathogenic. Review status: criteria provided, multiple submitters, no conflicts (2 of 4 stars). 4 submissions from 4 submitters: Pathogenic (2); Likely pathogenic (2). Last evaluated 2024-06-16.

Conditions:
Maple syrup urine disease type 1B (MSUD1B). Also called: MSUD type IB; MSUD type 3 (formerly); MSUD due to deficiency of e1-beta subunit of branched-chain alpha-keto acid dehydrogenase complex. Identifiers: MedGen C2930990, MONDO:0023692, OMIM 620698.
Maple syrup urine disease (MSUD). Identifiers: Orphanet 511, MedGen C0024776, MeSH D008375, MONDO:0009563. Disease mechanism: loss of function.

Allele frequency attached by ClinVar (database versions not stated): gnomAD exomes below 0.00001.
gnomAD v4.1: 2 of 1,612,636 alleles (0.00012%); highest among the groups gnomAD compares: East Asian, 0.0022%; no homozygotes.

Submissions (4):

Natera, Inc.
Classification: Likely pathogenic for Maple syrup urine disease type 1B. Last evaluated: 2024-06-16. Review status: criteria provided, single submitter. Criteria: Natera Variant Classification Schema (03/2026). Collection method: clinical testing. Allele origin: germline.
Comment: The c.1037A>G variant in BCKDHB is a missense variant predicted to cause substitution of glutamine to arginine at amino acid 346. This variant is rare in the general population with a frequency below the threshold expected for the associated phenotype(s). This variant has been observed in one or more individuals affected with the associated recessive disease, as either homozygous or compound heterozygous with a second variant (PMID: 22326532, 34883003). Computational prediction algorithms indicate this variant is likely to affect gene or protein function. Given the available evidence, this variant is classified as Likely Pathogenic.

Labcorp Genetics (formerly Invitae), Labcorp
Classification: Pathogenic for Maple syrup urine disease. Last evaluated: 2023-07-31. Review status: criteria provided, single submitter. Criteria: Invitae Variant Classification Sherloc (09022015). Collection method: clinical testing. Allele origin: germline.
Comment: This variant is not present in population databases (gnomAD no frequency). For these reasons, this variant has been classified as Pathogenic. An algorithm developed to predict the effect of missense changes on protein structure and function (PolyPhen-2) suggests that this variant is likely to be disruptive. ClinVar contains an entry for this variant (Variation ID: 1487625). This missense change has been observed in individual(s) with maple syrup urine disease (PMID: 22326532, 34883003). In at least one individual the data is consistent with being in trans (on the opposite chromosome) from a pathogenic variant. This sequence change replaces glutamine, which is neutral and polar, with arginine, which is basic and polar, at codon 346 of the BCKDHB protein (p.Gln346Arg).

Baylor Genetics
Classification: Likely pathogenic for Maple syrup urine disease type 1A. Last evaluated: 2023-04-06. Review status: criteria provided, single submitter. Criteria: ACMG Guidelines, 2015. Collection method: clinical testing. Allele origin: unknown.

Juno Genomics, Hangzhou Juno Genomics, Inc
Classification: Pathogenic for Maple syrup urine disease type 1B. Review status: criteria provided, single submitter. Criteria: ACMG Guidelines, 2015. Collection method: clinical testing. Allele origin: germline.
Comment: Absent from controls (or at extremely low frequency if recessive) in Genome Aggregation Database.;Multiple lines of computational evidence support a deleterious effect on the gene or gene product.;For recessive disorders, detected in trans with a pathogenic variant.;Patient's phenotype or family history is highly specific for a disease with a single genetic etiology.

Literature cited by the submitters: PubMed 22326532 (cited by Natera, Inc. and Labcorp Genetics (formerly Invitae), Labcorp); PubMed 34883003 (cited by Natera, Inc. and Labcorp Genetics (formerly Invitae), Labcorp).